The following is an entry in ClinVar:

NM_004006.3(DMD):c.8768C>G (p.Ala2923Gly)

Gene: DMD (dystrophin; minus strand). Cytogenetic location: Xp21.2.
Variant type: single nucleotide variant.
Coding change: c.8768C>G on transcript NM_004006.3 (MANE Select); coding-DNA position 8768, C replaced by G.
Protein change: p.Ala2923Gly; replaces alanine 2923 with glycine.
Molecular consequence: missense variant.
Genome position (GRCh38, 1-based): chrX:31,478,275, G>C on the plus strand (C>G on the coding strand, the complement: DMD is on the minus strand). VCF-style: chrX-31478275-G-C. GRCh37 (hg19) VCF-style: chrX-31496392-G-C.
Other names: c.8744C>G, p.Ala2915Gly (NM_000109.4); c.8756C>G, p.Ala2919Gly (NM_004009.3); c.8399C>G, p.Ala2800Gly (NM_004010.3); c.4745C>G, p.Ala1582Gly (NM_004011.4); c.4736C>G, p.Ala1579Gly (NM_004012.4); c.1388C>G, p.Ala463Gly (NM_004013.3, NM_004020.4, NM_004021.3 and 2 more transcripts); c.581C>G, p.Ala194Gly (NM_004014.3); short protein forms A1582G, A463G, A2923G, A1579G, A194G, A2919G, A2800G, A2915G.
Identifiers: ClinVar variation 1351879 (VCV001351879.5), dbSNP rs1171983817, ClinGen allele CA412654200.
Genomic context (GRCh38, chrX:31,478,275, plus strand): 5'-GTGGCCTCTTGAAGTTCCCGGAGTCTTTCAAGGGTCTCATCTATTTTTCTCTGCCAGTCA[G>C]CGGAGTGCAGGTTCAATTTTTCCCACTCAGTATTGACCTCCTCAGCCTGCTTTCGTAGAA-3'
Protein context (NP_003997.2, residues 2913-2933): TEWEKLNLHS[Ala2923Gly]DWQRKIDETL

ClinVar aggregate classification (germline): Uncertain significance. Review status: criteria provided, multiple submitters, no conflicts (2 of 4 stars). 2 submissions from 2 submitters: Uncertain significance (2). Last evaluated 2025-09-15.

Conditions:
Duchenne muscular dystrophy (DMD). Also called: MUSCULAR DYSTROPHY, PSEUDOHYPERTROPHIC PROGRESSIVE, DUCHENNE TYPE; Duchenne Muscular Dystrophy (DMD). Identifiers: Orphanet 98896, MedGen C0013264, MONDO:0010679, OMIM 310200.

Allele frequency attached by ClinVar (database versions not stated): gnomAD exomes below 0.00001; gnomAD 0.00001; TOPMed 0.00002.
gnomAD v4.1: 3 of 1,209,342 alleles (0.00025%); highest among the groups gnomAD compares: Admixed American, 0.0044%; no homozygotes.

Submissions (2):

Women's Health and Genetics/Laboratory Corporation of America, LabCorp
Classification: Uncertain significance. Last evaluated: 2025-09-15. Review status: criteria provided, single submitter. Criteria: LabCorp Variant Classification Summary - May 2015. Collection method: clinical testing. Allele origin: germline.

Labcorp Genetics (formerly Invitae), Labcorp
Classification: Uncertain significance for Duchenne muscular dystrophy. Last evaluated: 2025-06-29. Review status: criteria provided, single submitter. Criteria: Invitae Variant Classification Sherloc (09022015). Collection method: clinical testing. Allele origin: germline.
Comment: This sequence change replaces alanine, which is neutral and non-polar, with glycine, which is neutral and non-polar, at codon 2923 of the DMD protein (p.Ala2923Gly). This variant is not present in population databases (gnomAD no frequency). This variant has not been reported in the literature in individuals affected with DMD-related conditions. ClinVar contains an entry for this variant (Variation ID: 1351879). Invitae Evidence Modeling of protein sequence and biophysical properties (such as structural, functional, and spatial information, amino acid conservation, physicochemical variation, residue mobility, and thermodynamic stability) indicates that this missense variant is not expected to disrupt DMD protein function with a negative predictive value of 95%. In summary, the available evidence is currently insufficient to determine the role of this variant in disease. Therefore, it has been classified as a Variant of Uncertain Significance.